The following is an entry in ClinVar:

NM_004187.5(KDM5C):c.4011_4014del (p.Glu1338fs)

Gene: KDM5C (lysine demethylase 5C; minus strand). Cytogenetic location: Xp11.22.
Variant type: Microsatellite.
Coding change: c.4011_4014del on transcript NM_004187.5 (MANE Select); coding-DNA positions 4011 to 4014, 4 bases deleted (AGAG; older notation c.4011_4014delAGAG).
Protein change: p.Glu1338fs; shifts the reading frame from glutamic acid 1338.
Molecular consequence: frameshift variant. On other transcripts: non-coding transcript variant (3).
Genome position (GRCh38, 1-based): chrX:53,194,163-53,194,166, CTCT deleted on the plus strand (AGAG on the coding strand, the reverse complement: KDM5C is on the minus strand); deleting any 4 consecutive bases within chrX:53,194,163-53,194,168 gives the same sequence; the c. name uses the placement nearest the transcript's 3' end. VCF-style (leftmost placement, unchanged base first): chrX-53194162-CCTCT-C. GRCh37 (hg19) VCF-style: chrX-53223344-CCTCT-C.
Other names: c.3810_3813del, p.Glu1271fs (NM_001146702.2); c.4008_4011del, p.Glu1337fs (NM_001282622.3, NM_001353979.2, NM_001353982.2); c.4011_4014del, p.Glu1338fs (NM_001353978.3, NM_001353981.2, NM_001353984.2); short protein forms E1271fs, E1337fs, E1338fs.
Identifiers: ClinVar variation 3767065 (VCV003767065.1).
Genomic context (GRCh38, chrX:53,194,162, plus strand): 5'-AAGAATCTGAGGACAAGAGCTGGGCTGAGTAGCTCACCTTAGGCATATCCTTGCCACTGC[CCTCT>C]CTGAGGGGGTCAGAAGCAGGGGCTGCAGGGTAGTTAGGAGGCTCCTCAGGTCTAGGTTCA-3'

ClinVar aggregate classification (germline): Likely pathogenic (1 of 4 stars; one submission).

Conditions:
Intellectual developmental disorder, X-linked, syndromic, Claes-Jensen type. Also called: Syndromic X-linked intellectual disability Claes-Jensen type; INTELLECTUAL DEVELOPMENTAL DISORDER, X-LINKED, SYNDROMIC 16; MENTAL RETARDATION, X-LINKED, SYNDROMIC 16. Identifiers: Orphanet 85279, MedGen C1845243, MONDO:0010355, OMIM 300534.

Submission:

ARUP Laboratories, Molecular Genetics and Genomics, ARUP Laboratories
Classification: Likely pathogenic for Intellectual developmental disorder, X-linked, syndromic, Claes-Jensen type. Last evaluated: 2024-08-09. Review status: criteria provided, single submitter. Criteria: ARUP Molecular Germline Variant Investigation Process 2024. Collection method: clinical testing. Allele origin: germline.
Comment: The KDM5C c.4011_4014del; p.Glu1338AlafsTer19 variant, to our knowledge, is not reported in the medical literature or gene specific databases. This variant is also absent from the Genome Aggregation Database (v2.1.1), indicating it is not a common polymorphism. This variant causes a frameshift by deleting four nucleotides, so it is predicted to result in a truncated protein or mRNA subject to nonsense-mediated decay. Based on available information, this variant is considered to be likely pathogenic.